The following is an entry in ClinVar:

ClinVar aggregate classification (germline): Uncertain significance (1 of 4 stars; one submission).

Allele frequency attached by ClinVar (database versions not stated): ExAC 0.00001; gnomAD 0.00002; gnomAD exomes 0.00002 and 0.00003; TOPMed 0.00002.
gnomAD v4.1: 16 of 1,613,382 alleles (0.00099%); highest among the groups gnomAD compares: Admixed American, 0.0083%; no homozygotes.

Submission:

Labcorp Genetics (formerly Invitae), Labcorp
Classification: Uncertain significance. Last evaluated: 2022-05-09. Review status: criteria provided, single submitter. Criteria: Invitae Variant Classification Sherloc (09022015). Collection method: clinical testing. Allele origin: germline.
Comment: This sequence change replaces arginine, which is basic and polar, with histidine, which is basic and polar, at codon 3239 of the PCLO protein (p.Arg3239His). This variant is present in population databases (rs779385664, gnomAD 0.02%). This variant has not been reported in the literature in individuals affected with PCLO-related conditions. Algorithms developed to predict the effect of missense changes on protein structure and function are either unavailable or do not agree on the potential impact of this missense change (SIFT: "Deleterious"; PolyPhen-2: "Not Available"; Align-GVGD: "Class C0"). In summary, the available evidence is currently insufficient to determine the role of this variant in disease. Therefore, it has been classified as a Variant of Uncertain Significance.

NM_033026.6(PCLO):c.9716G>A (p.Arg3239His)

Gene: PCLO (piccolo presynaptic cytomatrix protein; minus strand). Cytogenetic location: 7q21.11.
Variant type: single nucleotide variant.
Coding change: c.9716G>A on transcript NM_033026.6 (MANE Select); coding-DNA position 9716, G replaced by A.
Protein change: p.Arg3239His; replaces arginine 3239 with histidine.
Molecular consequence: missense variant.
Genome position (GRCh38, 1-based): chr7:82,950,872, C>T on the plus strand (G>A on the coding strand, the complement: PCLO is on the minus strand). VCF-style: chr7-82950872-C-T. GRCh37 (hg19) VCF-style: chr7-82580188-C-T.
Other names: c.9716G>A, p.Arg3239His (NM_014510.3); short protein forms R3239H.
Identifiers: ClinVar variation 1480842 (VCV001480842.3), dbSNP rs779385664, ClinGen allele CA4319859.